The following is an entry in ClinVar:

ClinVar aggregate classification (germline): Uncertain significance (1 of 4 stars; one submission).

Conditions:
Familial adenomatous polyposis 1 (FAP1). Also called: FAMILIAL ADENOMATOUS POLYPOSIS 1, ATTENUATED; POLYPOSIS, ADENOMATOUS INTESTINAL. Identifiers: MedGen C2713442, MONDO:0021056, OMIM 175100. Disease mechanism: loss of function.

gnomAD v4.1: 2 of 1,613,838 alleles (0.00012%); highest among the groups gnomAD compares: South Asian, 0.0022%; no homozygotes.

Submission:

Labcorp Genetics (formerly Invitae), Labcorp
Classification: Uncertain significance for Familial adenomatous polyposis 1. Last evaluated: 2022-09-10. Review status: criteria provided, single submitter. Criteria: Invitae Variant Classification Sherloc (09022015). Collection method: clinical testing. Allele origin: germline.
Comment: In summary, the available evidence is currently insufficient to determine the role of this variant in disease. Therefore, it has been classified as a Variant of Uncertain Significance. Advanced modeling of protein sequence and biophysical properties (such as structural, functional, and spatial information, amino acid conservation, physicochemical variation, residue mobility, and thermodynamic stability) performed at Invitae indicates that this missense variant is not expected to disrupt APC protein function. This variant has not been reported in the literature in individuals affected with APC-related conditions. This variant is present in population databases (no rsID available, gnomAD 0.003%). This sequence change replaces valine, which is neutral and non-polar, with leucine, which is neutral and non-polar, at codon 2414 of the APC protein (p.Val2414Leu).

NM_000038.6(APC):c.7240G>C (p.Val2414Leu)

Gene: APC (APC regulator of Wnt signaling pathway; plus strand). Cytogenetic location: 5q22.2.
Variant type: single nucleotide variant.
Coding change: c.7240G>C on transcript NM_000038.6 (MANE Select); coding-DNA position 7240, G replaced by C.
Protein change: p.Val2414Leu; replaces valine 2414 with leucine.
Molecular consequence: missense variant.
Genome position (GRCh38, 1-based): chr5:112,842,834, G>C. VCF-style: chr5-112842834-G-C. GRCh37 (hg19) VCF-style: chr5-112178531-G-C.
Other names: c.7240G>C, p.Val2414Leu (NM_001127510.3, NM_001354895.2, NM_001407450.1); c.7186G>C, p.Val2396Leu (NM_001127511.3); c.7294G>C, p.Val2432Leu (NM_001354896.2, NM_001407447.1, NM_001407448.1 and 1 more transcripts); c.7270G>C, p.Val2424Leu (NM_001354897.2); c.7165G>C, p.Val2389Leu (NM_001354898.2); c.7156G>C, p.Val2386Leu (NM_001354899.2); c.7117G>C, p.Val2373Leu (NM_001354900.2); c.7063G>C, p.Val2355Leu (NM_001354901.2, NM_001407453.1); and 11 more; short protein forms V2030L, V2131L, V2254L, V2285L, V2288L, V2313L, V2323L, V2331L.
Identifiers: ClinVar variation 1719240 (VCV001719240.6), dbSNP rs1256751823, ClinGen allele CA16037102.
Genomic context (GRCh38, chr5:112,842,834, plus strand): 5'-AGTGAGTCTGCCTCCAAAGGACTAAATCAGATGAATAATGGTAATGGAGCCAATAAAAAG[G>C]TAGAACTTTCTAGAATGTCTTCAACTAAATCAAGTGGAAGTGAATCTGATAGATCAGAAA-3'
Protein context (NP_000029.2, residues 2404-2424): MNNGNGANKK[Val2414Leu]ELSRMSSTKS